The following is an entry in ClinVar:

ClinVar aggregate classification (germline): Uncertain significance. Review status: criteria provided, multiple submitters, no conflicts (2 of 4 stars). 2 submissions from 2 submitters: Uncertain significance (2). Last evaluated 2024-10-28.

Conditions:
Hereditary cancer-predisposing syndrome. Also called: Tumor predisposition; Hereditary neoplastic syndrome; Neoplastic Syndromes, Hereditary; Hereditary Cancer Syndrome. Identifiers: Orphanet 140162, MedGen C0027672, MeSH D009386, MONDO:0015356.
Familial adenomatous polyposis 1 (FAP1). Also called: FAMILIAL ADENOMATOUS POLYPOSIS 1, ATTENUATED; POLYPOSIS, ADENOMATOUS INTESTINAL. Identifiers: MedGen C2713442, MONDO:0021056, OMIM 175100. Disease mechanism: loss of function.

Submissions (2):

Ambry Genetics
Classification: Uncertain significance for Hereditary cancer-predisposing syndrome. Last evaluated: 2024-10-28. Review status: criteria provided, single submitter. Criteria: Ambry Variant Classification Scheme 2023. Collection method: clinical testing. Allele origin: germline.
Comment: The p.G2610E variant (also known as c.7829G>A), located in coding exon 15 of the APC gene, results from a G to A substitution at nucleotide position 7829. The glycine at codon 2610 is replaced by glutamic acid, an amino acid with similar properties. This amino acid position is conserved. In addition, in silico predictors for this gene do not accurately predict pathogenicity. Based on the available evidence, the clinical significance of this variant remains unclear.

Labcorp Genetics (formerly Invitae), Labcorp
Classification: Uncertain significance for Familial adenomatous polyposis 1. Last evaluated: 2021-07-14. Review status: criteria provided, single submitter. Criteria: Invitae Variant Classification Sherloc (09022015). Collection method: clinical testing. Allele origin: germline.
Comment: This sequence change replaces glycine with glutamic acid at codon 2610 of the APC protein (p.Gly2610Glu). The glycine residue is highly conserved and there is a moderate physicochemical difference between glycine and glutamic acid. This variant is not present in population databases (ExAC no frequency). This variant has not been reported in the literature in individuals with APC-related conditions. Algorithms developed to predict the effect of missense changes on protein structure and function (SIFT, PolyPhen-2, Align-GVGD) all suggest that this variant is likely to be disruptive, but these predictions have not been confirmed by published functional studies and their clinical significance is uncertain. In summary, the available evidence is currently insufficient to determine the role of this variant in disease. Therefore, it has been classified as a Variant of Uncertain Significance.

NM_000038.6(APC):c.7829G>A (p.Gly2610Glu)

Gene: APC (APC regulator of Wnt signaling pathway; plus strand). Cytogenetic location: 5q22.2.
Variant type: single nucleotide variant.
Coding change: c.7829G>A on transcript NM_000038.6 (MANE Select); coding-DNA position 7829, G replaced by A.
Protein change: p.Gly2610Glu; replaces glycine 2610 with glutamic acid.
Molecular consequence: missense variant.
Genome position (GRCh38, 1-based): chr5:112,843,423, G>A. VCF-style: chr5-112843423-G-A. GRCh37 (hg19) VCF-style: chr5-112179120-G-A.
Other names: c.7829G>A, p.Gly2610Glu (NM_001127510.3, NM_001354895.2); c.7775G>A, p.Gly2592Glu (NM_001127511.3); c.7883G>A, p.Gly2628Glu (NM_001354896.2); c.7859G>A, p.Gly2620Glu (NM_001354897.2); c.7754G>A, p.Gly2585Glu (NM_001354898.2); c.7745G>A, p.Gly2582Glu (NM_001354899.2); c.7706G>A, p.Gly2569Glu (NM_001354900.2); c.7652G>A, p.Gly2551Glu (NM_001354901.2); and 5 more; short protein forms G2327E, G2509E, G2569E, G2585E, G2551E, G2582E, G2620E, G2450E.
Identifiers: ClinVar variation 847368 (VCV000847368.12), dbSNP rs1561618546, ClinGen allele CA16038340.
Genomic context (GRCh38, chr5:112,843,423, plus strand): 5'-AACATGTGAACTCTATTTCAGGAACCAAACAAAGTAAAGAAAACCAAGTATCCGCAAAAG[G>A]AACATGGAGAAAAATAAAAGAAAATGAATTTTCTCCCACAAATAGTACTTCTCAGACCGT-3'
Protein context (NP_000029.2, residues 2600-2620): QSKENQVSAK[Gly2610Glu]TWRKIKENEF